The following is an entry in ClinVar:

ClinVar aggregate classification (germline): Uncertain significance (1 of 4 stars; one submission).

Conditions:
Congenital myasthenic syndrome 8. Also called: Myasthenic syndrome, congenital, 8, with pre- and postsynaptic defects; MYASTHENIC SYNDROME, CONGENITAL, DUE TO AGRIN DEFICIENCY. Identifiers: Orphanet 590, MedGen C3808739, MONDO:0014052, OMIM 615120.

Submission:

Labcorp Genetics (formerly Invitae), Labcorp
Classification: Uncertain significance for Congenital myasthenic syndrome 8. Last evaluated: 2021-12-02. Review status: criteria provided, single submitter. Criteria: Invitae Variant Classification Sherloc (09022015). Collection method: clinical testing. Allele origin: germline.
Comment: This sequence change replaces arginine, which is basic and polar, with glycine, which is neutral and non-polar, at codon 1308 of the AGRN protein (p.Arg1308Gly). This variant is not present in population databases (gnomAD no frequency). This variant has not been reported in the literature in individuals affected with AGRN-related conditions. Algorithms developed to predict the effect of missense changes on protein structure and function are either unavailable or do not agree on the potential impact of this missense change (SIFT: "Deleterious"; PolyPhen-2: "Possibly Damaging"; Align-GVGD: "Class C0"). Algorithms developed to predict the effect of sequence changes on RNA splicing suggest that this variant may create or strengthen a splice site. In summary, the available evidence is currently insufficient to determine the role of this variant in disease. Therefore, it has been classified as a Variant of Uncertain Significance.

NM_198576.4(AGRN):c.3922C>G (p.Arg1308Gly)

Gene: AGRN (agrin; plus strand). Cytogenetic location: 1p36.33.
Variant type: single nucleotide variant.
Coding change: c.3922C>G on transcript NM_198576.4 (MANE Select); coding-DNA position 3922, C replaced by G.
Protein change: p.Arg1308Gly; replaces arginine 1308 with glycine.
Molecular consequence: missense variant.
Genome position (GRCh38, 1-based): chr1:1,048,182, C>G. VCF-style: chr1-1048182-C-G. GRCh37 (hg19) VCF-style: chr1-983562-C-G.
Other names: c.3922C>G, p.Arg1308Gly (NM_001305275.2); c.3607C>G, p.Arg1203Gly (NM_001364727.2); short protein forms R1308G, R1203G.
Identifiers: ClinVar variation 2100889 (VCV002100889.4), dbSNP rs369884939, ClinGen allele CA337853040.
Genomic context (GRCh38, chr1:1,048,182, plus strand): 5'-GCCCCGCACCCCAGTCACACAAGCCAGCCCGTTGCCAAGACCACGGCAGCCCCCACCACA[C>G]GTCGGCCCCCCACCACTGCCCCCAGCCGTGTGCCCGGACGTCGGCCCCCGGCCCCCCAGC-3'
Protein context (NP_940978.2, residues 1298-1318): VAKTTAAPTT[Arg1308Gly]RPPTTAPSRV